The following is an entry in ClinVar:

NM_000059.4(BRCA2):c.9686C>A (p.Pro3229His)

Gene: BRCA2 (BRCA2 DNA repair associated; plus strand). Cytogenetic location: 13q13.1.
Variant type: single nucleotide variant.
Coding change: c.9686C>A on transcript NM_000059.4 (MANE Select); coding-DNA position 9686, C replaced by A.
Protein change: p.Pro3229His; replaces proline 3229 with histidine.
Molecular consequence: missense variant.
Genome position (GRCh38, 1-based): chr13:32,398,199, C>A. VCF-style: chr13-32398199-C-A. GRCh37 (hg19) VCF-style: chr13-32972336-C-A.
Other names: short protein forms P3229H.
Identifiers: ClinVar variation 649753 (VCV000649753.9), dbSNP rs878853620, ClinGen allele CA387765280.

ClinVar aggregate classification (germline): Uncertain significance (1 of 4 stars; one submission).

Conditions:
Hereditary breast ovarian cancer syndrome. Also called: Breast and ovarian cancer; BRCA1- and BRCA2-Associated Hereditary Breast and Ovarian Cancer; Hereditary breast and ovarian cancer; Hereditary breast and ovarian cancer syndrome (HBOC); Hereditary breast and/or ovarian cancer syndrome; Hereditary breast and ovarian cancer syndrome. Identifiers: Orphanet 145, MedGen C0677776, MeSH D061325, MONDO:0003582. Disease mechanism: loss of function.

Submission:

Labcorp Genetics (formerly Invitae), Labcorp
Classification: Uncertain significance for Hereditary breast ovarian cancer syndrome. Last evaluated: 2018-12-28. Review status: criteria provided, single submitter. Criteria: Invitae Variant Classification Sherloc (09022015). Collection method: clinical testing. Allele origin: germline.
Comment: In summary, the available evidence is currently insufficient to determine the role of this variant in disease. Therefore, it has been classified as a Variant of Uncertain Significance. Algorithms developed to predict the effect of missense changes on protein structure and function are either unavailable or do not agree on the potential impact of this missense change (SIFT: "Deleterious"; PolyPhen-2: "Probably Damaging"; Align-GVGD: "Class C0"). This variant has not been reported in the literature in individuals with BRCA2-related conditions. This variant is not present in population databases (ExAC no frequency). This sequence change replaces proline with histidine at codon 3229 of the BRCA2 protein (p.Pro3229His). The proline residue is highly conserved and there is a moderate physicochemical difference between proline and histidine.